The following is an entry in ClinVar:

NM_000059.4(BRCA2):c.4359A>T (p.Lys1453Asn)

Gene: BRCA2 (BRCA2 DNA repair associated; plus strand). Cytogenetic location: 13q13.1.
Variant type: single nucleotide variant.
Coding change: c.4359A>T on transcript NM_000059.4 (MANE Select); coding-DNA position 4359, A replaced by T.
Protein change: p.Lys1453Asn; replaces lysine 1453 with asparagine.
Molecular consequence: missense variant.
Genome position (GRCh38, 1-based): chr13:32,338,714, A>T. VCF-style: chr13-32338714-A-T. GRCh37 (hg19) VCF-style: chr13-32912851-A-T.
Other names: short protein forms K1453N.
Identifiers: ClinVar variation 531287 (VCV000531287.10), dbSNP rs774446640, ClinGen allele CA387780960.

ClinVar aggregate classification (germline): Conflicting classifications of pathogenicity. Review status: criteria provided, conflicting classifications (1 of 4 stars). 2 submissions from 2 submitters: Uncertain significance (1); Likely benign (1). Last evaluated 2023-03-23.

Conditions:
Hereditary cancer-predisposing syndrome. Also called: Hereditary neoplastic syndrome; Neoplastic Syndromes, Hereditary; Tumor predisposition; Hereditary Cancer Syndrome. Identifiers: Orphanet 140162, MedGen C0027672, MeSH D009386, MONDO:0015356.
Hereditary breast ovarian cancer syndrome. Also called: Hereditary breast and ovarian cancer syndrome (HBOC); BRCA1- and BRCA2-Associated Hereditary Breast and Ovarian Cancer; Hereditary breast and ovarian cancer syndrome; Breast and ovarian cancer; Hereditary breast and ovarian cancer; Hereditary breast and/or ovarian cancer syndrome. Identifiers: Orphanet 145, MedGen C0677776, MeSH D061325, MONDO:0003582. Disease mechanism: loss of function.

Submissions (2):

University of Washington Department of Laboratory Medicine, University of Washington
Classification: Likely benign for Hereditary cancer-predisposing syndrome. Last evaluated: 2023-03-23. Review status: criteria provided, single submitter. Criteria: Dines et al. (Genet Med. 2020). Collection method: curation. Allele origin: germline.
Comment: Missense variant in a coldspot region where missense variants are very unlikely to be pathogenic (PMID:31911673).

BRCA2 exon 11 coldspot. Reclassification based on statistical prior probability.

Labcorp Genetics (formerly Invitae), Labcorp
Classification: Uncertain significance for Hereditary breast ovarian cancer syndrome. Last evaluated: 2018-02-07. Review status: criteria provided, single submitter. Criteria: Invitae Variant Classification Sherloc (09022015). Collection method: clinical testing. Allele origin: germline.
Comment: This variant has not been reported in the literature in individuals with BRCA2-related disease. This sequence change replaces lysine with asparagine at codon 1453 of the BRCA2 protein (p.Lys1453Asn). The lysine residue is weakly conserved and there is a moderate physicochemical difference between lysine and asparagine. This variant is not present in population databases (ExAC no frequency). Algorithms developed to predict the effect of missense changes on protein structure and function output the following: SIFT: "Tolerated"; PolyPhen-2: "Benign"; Align-GVGD: "Class C0". The asparagine amino acid residue is found in multiple mammalian species, suggesting that this missense change does not adversely affect protein function. These predictions have not been confirmed by published functional studies and their clinical significance is uncertain. In summary, the available evidence is currently insufficient to determine the role of this variant in disease. Therefore, it has been classified as a Variant of Uncertain Significance.